The following is an entry in ClinVar:

ClinVar aggregate classification (germline): Benign/Likely benign. Review status: criteria provided, multiple submitters, no conflicts (2 of 4 stars). 3 submissions from 3 submitters: Benign (1); Likely benign (2). Last evaluated 2024-11-23.

Allele frequency attached by ClinVar (database versions not stated): TOPMed 0.00015; ESP Exome Variant Server 0.00031; 1000 Genomes Project 30x 0.00078; 1000 Genomes Project 0.00100; gnomAD 0.00323 and 0.00337.
gnomAD v4.1: 2,702 of 1,614,202 alleles (0.17%); highest among the groups gnomAD compares: Non-Finnish European, 0.024%; 57 homozygotes.

Submissions (3):

Blueprint Genetics
Classification: Likely benign. Last evaluated: 2024-11-23. Review status: criteria provided, single submitter. Criteria: ACMG Guidelines, 2015. Collection method: clinical testing. Allele origin: germline.

Labcorp Genetics (formerly Invitae), Labcorp
Classification: Benign. Last evaluated: 2024-03-12. Review status: criteria provided, single submitter. Criteria: Invitae Variant Classification Sherloc (09022015). Collection method: clinical testing. Allele origin: germline.

CeGaT Center for Human Genetics Tuebingen
Classification: Likely benign. Last evaluated: 2022-09-01. Review status: criteria provided, single submitter. Criteria: CeGaT Center For Human Genetics Tuebingen Variant Classification Criteria Version 2. Collection method: clinical testing. Allele origin: germline. Affected: yes. Observed: 1 variant allele.
Comment: CENPF: BP4, BS2

NM_016343.4(CENPF):c.6113A>C (p.Gln2038Pro)

Gene: CENPF (centromere protein F; plus strand). Cytogenetic location: 1q41.
Variant type: single nucleotide variant.
Coding change: c.6113A>C on transcript NM_016343.4 (MANE Select); coding-DNA position 6113, A replaced by C.
Protein change: p.Gln2038Pro; replaces glutamine 2038 with proline.
Molecular consequence: missense variant.
Genome position (GRCh38, 1-based): chr1:214,645,683, A>C. VCF-style: chr1-214645683-A-C. GRCh37 (hg19) VCF-style: chr1-214819026-A-C.
Other names: short protein forms Q2038P.
Identifiers: ClinVar variation 1600021 (VCV001600021.33), dbSNP rs142561288, ClinGen allele CA1390907.